The following is an entry in ClinVar:

NM_000536.4(RAG2):c.518A>G (p.Asn173Ser)

Gene: RAG2 (recombination activating 2; minus strand). Cytogenetic location: 11p12.
Variant type: single nucleotide variant.
Coding change: c.518A>G on transcript NM_000536.4 (MANE Select); coding-DNA position 518, A replaced by G.
Protein change: p.Asn173Ser; replaces asparagine 173 with serine.
Molecular consequence: missense variant.
Genome position (GRCh38, 1-based): chr11:36,593,651, T>C on the plus strand (A>G on the coding strand, the complement: RAG2 is on the minus strand). VCF-style: chr11-36593651-T-C. GRCh37 (hg19) VCF-style: chr11-36615201-T-C.
Other names: c.518A>G, p.Asn173Ser (NM_001243785.2, NM_001243786.2); short protein forms N173S.
Identifiers: ClinVar variation 372841 (VCV000372841.3), dbSNP rs766735610, ClinGen allele CA5950561.
Genomic context (GRCh38, chr11:36,593,651, plus strand): 5'-GTAGCACACCCAAATTCAAAATCCACCAGGAAAACACAGGGCAGGCAGTCAGCTACACTA[T>C]TCCATTTTTCTGTGGTTCTGTGGGTAGAAGGCATGTATGAGCGTCCTCCAAAGAGAACAC-3'
Protein context (NP_000527.2, residues 163-183): PSTHRTTEKW[Asn173Ser]SVADCLPCVF

ClinVar aggregate classification (germline): Conflicting classifications of pathogenicity. Review status: criteria provided, conflicting classifications (1 of 4 stars). 3 submissions from 3 submitters: Likely pathogenic (2); Uncertain significance (1). Last evaluated 2024-05-03.

Conditions:
Histiocytic medullary reticulosis. Also called: SEVERE COMBINED IMMUNODEFICIENCY WITH HYPEREOSINOPHILIA; Omenn syndrome. Identifiers: Orphanet 39041, MedGen C2700553, MONDO:0011338, OMIM 603554.
Severe combined immunodeficiency, autosomal recessive, T cell-negative, B cell-negative, NK cell-positive. Also called: SCID, AR, T-cell negative, B-cell negative, NK cell-positive; Severe combined immunodeficiency due to complete RAG1/2 deficiency; SCID, T CELL-NEGATIVE, B CELL-NEGATIVE, NK CELL-POSITIVE. Identifiers: Orphanet 331206, MedGen C1832322, MONDO:0011086, OMIM 601457.
Combined immunodeficiency with skin granulomas. Identifiers: Orphanet 157949, MedGen C2673536, MONDO:0009306, OMIM 233650.

Allele frequency attached by ClinVar (database versions not stated): gnomAD exomes below 0.00001; TOPMed below 0.00001; ExAC 0.00001; gnomAD 0.00001.
gnomAD v4.1: 1 of 1,614,092 alleles (0.000062%); highest among the groups gnomAD compares: Non-Finnish European, 0.000085%; no homozygotes.

Submissions (3):

Fulgent Genetics
Classification: Likely pathogenic for Combined immunodeficiency with skin granulomas; Severe combined immunodeficiency, autosomal recessive, T cell-negative, B cell-negative, NK cell-positive; Histiocytic medullary reticulosis. Last evaluated: 2024-05-03. Review status: criteria provided, single submitter. Criteria: ACMG Guidelines, 2015. Collection method: clinical testing. Allele origin: germline.

Women's Health and Genetics/Laboratory Corporation of America, LabCorp
Classification: Uncertain significance. Last evaluated: 2024-05-01. Review status: criteria provided, single submitter. Criteria: LabCorp Variant Classification Summary - May 2015. Collection method: clinical testing. Allele origin: germline.
Comment: Variant summary: RAG2 c.518A>G (p.Asn173Ser) results in a conservative amino acid change in the encoded protein sequence. Four of five in-silico tools predict a damaging effect of the variant on protein function. The variant allele was found at a frequency of 4e-06 in 251282 control chromosomes. c.518A>G has been reported in the literature as a compound heterozygous genotype in at-least one individual with combined immunodeficiency and myopathy (example, Henrickson_2018). These data do not allow any conclusion about variant significance. At least one publication reports experimental evidence that this variant causes 47.5% V(D)J activity in-vitro (example, Scheutz_2023). The following publications have been ascertained in the context of this evaluation (PMID: 36279417, 30159811). ClinVar contains an entry for this variant (Variation ID: 372841). Based on the evidence outlined above, the variant was classified as VUS-possibly pathogenic.

GeneDx
Classification: Likely pathogenic. Last evaluated: 2015-12-29. Review status: criteria provided, single submitter. Criteria: GeneDx Variant Classification (06012015). Collection method: clinical testing. Allele origin: germline. Affected: yes.
Comment: The N173S variant in the RAG2 gene has not been reported previously as a pathogenic variant, nor as a benign variant, to our knowledge. The N173S variant was not observed in approximately 6500 individuals of European and African American ancestry in the NHLBI Exome Sequencing Project, indicating it is not a common benign variant in these populations. The N173S variant is a conservative amino acid substitution, which occurs at a position that is conserved across species. In silico analysis predicts this variant is probably damaging to the protein structure/function. The N173S variant is a strong candidate for a pathogenic variant, however the possibility it may be a rare benign variant cannot be excluded.

Literature cited by the submitters: PubMed 36279417 (cited by Women's Health and Genetics/Laboratory Corporation of America, LabCorp); PubMed 30159811 (cited by Women's Health and Genetics/Laboratory Corporation of America, LabCorp).